The following is an entry in ClinVar:

ClinVar aggregate classification (germline): Uncertain significance (1 of 4 stars; one submission).

gnomAD v4.1: 1 of 1,613,940 alleles (0.000062%); highest among the groups gnomAD compares: Non-Finnish European, 0.000085%; no homozygotes.

Submission:

Women's Health and Genetics/Laboratory Corporation of America, LabCorp
Classification: Uncertain significance. Last evaluated: 2025-06-25. Review status: criteria provided, single submitter. Criteria: LabCorp Variant Classification Summary - May 2015. Collection method: clinical testing. Allele origin: germline.
Comment: Variant summary: HOGA1 c.953G>T (p.Arg318Leu) results in a non-conservative amino acid change in the encoded protein sequence. Algorithms developed to predict the effect of missense changes on protein structure and function all suggest that this variant is likely to be disruptive. The frequency data for this variant in gnomAD is considered unreliable, as metrics indicate poor data quality at this position. To our knowledge, no occurrence of c.953G>T in individuals affected with Primary Hyperoxaluria, Type III and no experimental evidence demonstrating its impact on protein function have been reported. No submitters have cited clinical-significance assessments for this variant to ClinVar. Based on the evidence outlined above, the variant was classified as uncertain significance.

NM_138413.4(HOGA1):c.953G>T (p.Arg318Leu)

Gene: HOGA1 (4-hydroxy-2-oxoglutarate aldolase 1; plus strand). Cytogenetic location: 10q24.2.
Variant type: single nucleotide variant.
Coding change: c.953G>T on transcript NM_138413.4 (MANE Select); coding-DNA position 953, G replaced by T.
Protein change: p.Arg318Leu; replaces arginine 318 with leucine.
Molecular consequence: missense variant.
Genome position (GRCh38, 1-based): chr10:97,611,628, G>T. VCF-style: chr10-97611628-G-T. GRCh37 (hg19) VCF-style: chr10-99371385-G-T.
Other names: c.464G>T, p.Arg155Leu (NM_001134670.2); short protein forms R155L, R318L.
Identifiers: ClinVar variation 3907546 (VCV003907546.1).